The following is an entry in ClinVar:

NM_001079802.2(FKTN):c.350A>C (p.Tyr117Ser)

Gene: FKTN (fukutin; plus strand). Cytogenetic location: 9q31.2.
Variant type: single nucleotide variant.
Coding change: c.350A>C on transcript NM_001079802.2 (MANE Select); coding-DNA position 350, A replaced by C.
Protein change: p.Tyr117Ser; replaces tyrosine 117 with serine.
Molecular consequence: missense variant. On other transcripts: 5 prime UTR variant (4), non-coding transcript variant (2).
Genome position (GRCh38, 1-based): chr9:105,601,329, A>C. VCF-style: chr9-105601329-A-C. GRCh37 (hg19) VCF-style: chr9-108363610-A-C.
Other names: c.350A>C, p.Tyr117Ser (NM_001198963.2, NM_001351496.2, NM_001351498.2 and 1 more transcripts); c.281A>C, p.Tyr94Ser (NM_001351497.2); c.-165A>C (NM_001351499.2, NM_001351500.2, NM_001351501.2 and 1 more transcripts); short protein forms Y94S, Y117S.
Identifiers: ClinVar variation 1732136 (VCV001732136.3), dbSNP rs775672119, ClinGen allele CA5170375.

ClinVar aggregate classification (germline): Uncertain significance. Review status: criteria provided, multiple submitters, no conflicts (2 of 4 stars). 2 submissions from 2 submitters: Uncertain significance (2). Last evaluated 2023-09-01.

Conditions:
Cardiovascular phenotype. Identifiers: MedGen CN230736.

Allele frequency attached by ClinVar (database versions not stated): ExAC 0.00002; gnomAD 0.00001; TOPMed 0.00001.
gnomAD v4.1: 5 of 1,607,644 alleles (0.00031%); highest among the groups gnomAD compares: East Asian, 0.0089%; no homozygotes.

Submissions (2):

Revvity Omics, Revvity
Classification: Uncertain significance. Last evaluated: 2023-09-01. Review status: criteria provided, single submitter. Criteria: ACMG Guidelines, 2015. Collection method: clinical testing. Allele origin: germline.

Ambry Genetics
Classification: Uncertain significance for Cardiovascular phenotype. Last evaluated: 2020-12-24. Review status: criteria provided, single submitter. Criteria: Ambry Variant Classification Scheme 2023. Collection method: clinical testing. Allele origin: germline.
Comment: The p.Y117S variant (also known as c.350A>C), located in coding exon 3 of the FKTN gene, results from an A to C substitution at nucleotide position 350. The tyrosine at codon 117 is replaced by serine, an amino acid with dissimilar properties. This amino acid position is not well conserved in available vertebrate species, and serine is the reference amino acid in other vertebrate species. In addition, the in silico prediction for this alteration is inconclusive. Since supporting evidence is limited at this time, the clinical significance of this alteration remains unclear.